The following is an entry in ClinVar:

ClinVar aggregate classification (germline): Benign. Review status: criteria provided, multiple submitters, no conflicts (2 of 4 stars). 11 submissions from 10 submitters: Benign (8). 3 of the submissions do not count toward it. Last evaluated 2026-02-02.

Conditions:
Aortic valve disease 1 (AOVD1). Identifiers: MedGen C3887892, MONDO:0024523, OMIM 109730.
Adams-Oliver syndrome 5 (AOS5). Identifiers: Orphanet 974, MedGen C4014970, MONDO:0014459, OMIM 616028.
Familial thoracic aortic aneurysm and aortic dissection (TAAD). Also called: Thoracic aortic aneurysms and dissections. Identifiers: Orphanet 91387, MedGen C4707243, MONDO:0019625.

Allele frequency attached by ClinVar (database versions not stated): ESP Exome Variant Server 0.00031; gnomAD 0.00123 and 0.00175; TOPMed 0.00141; 1000 Genomes Project 0.00579; 1000 Genomes Project 30x 0.00625.
gnomAD v4.1: 1,336 of 1,611,658 alleles (0.083%); highest among the groups gnomAD compares: East Asian, 2.5%; 19 homozygotes.

Submissions (11):

Labcorp Genetics (formerly Invitae), Labcorp
Classification: Benign for Adams-Oliver syndrome 5. Last evaluated: 2026-02-02. Review status: criteria provided, single submitter. Criteria: Invitae Variant Classification Sherloc (09022015). Collection method: clinical testing. Allele origin: germline.

ARUP Laboratories, Molecular Genetics and Genomics, ARUP Laboratories
Classification: Benign. Last evaluated: 2025-05-29. Review status: criteria provided, single submitter. Criteria: ARUP Molecular Germline Variant Investigation Process 2024. Collection method: clinical testing. Allele origin: germline.

Women's Health and Genetics/Laboratory Corporation of America, LabCorp
Classification: Benign. Last evaluated: 2024-07-28. Review status: criteria provided, single submitter. Criteria: LabCorp Variant Classification Summary - May 2015. Collection method: clinical testing. Allele origin: germline.

Genome-Nilou Lab
Classification: Benign for Adams-Oliver syndrome 5. Last evaluated: 2022-03-15. Review status: criteria provided, single submitter. Criteria: ACMG Guidelines, 2015. Collection method: clinical testing. Allele origin: germline. Affected: no.

Genome-Nilou Lab
Classification: Benign for Aortic valve disease 1. Last evaluated: 2022-03-15. Review status: criteria provided, single submitter. Criteria: ACMG Guidelines, 2015. Collection method: clinical testing. Allele origin: germline. Affected: no.

CHEO Genetics Diagnostic Laboratory, Children's Hospital of Eastern Ontario
Classification: Benign for Familial thoracic aortic aneurysm and aortic dissection. Last evaluated: 2018-10-16. Review status: criteria provided, single submitter. Criteria: ACMG Guidelines, 2015. Collection method: clinical testing. Allele origin: germline.

Ambry Genetics
Classification: Benign for Familial thoracic aortic aneurysm and aortic dissection. Last evaluated: 2017-05-04. Review status: criteria provided, single submitter. Criteria: Ambry Variant Classification Scheme 2023. Collection method: clinical testing. Allele origin: germline.

GeneDx
Classification: Benign. Last evaluated: 2017-03-30. Review status: criteria provided, single submitter. Criteria: GeneDx Variant Classification (06012015). Collection method: clinical testing. Allele origin: germline. Affected: yes.
Comment: This variant is considered likely benign or benign based on one or more of the following criteria: it is a conservative change, it occurs at a poorly conserved position in the protein, it is predicted to be benign by multiple in silico algorithms, and/or has population frequency not consistent with disease.

Clinical Genetics DNA and cytogenetics Diagnostics Lab, Erasmus MC, Erasmus Medical Center
Classification: Benign. Review status: no assertion criteria provided. Collection method: clinical testing. Allele origin: germline. Affected: yes. Study: VKGL Data-share Consensus. Not counted in ClinVar's aggregate classification.

Genome Diagnostics Laboratory, Amsterdam University Medical Center
Classification: Benign. Review status: no assertion criteria provided. Collection method: clinical testing. Allele origin: germline. Affected: yes. Study: VKGL Data-share Consensus. Not counted in ClinVar's aggregate classification.

Joint Genome Diagnostic Labs from Nijmegen and Maastricht, Radboudumc and MUMC+
Classification: Likely benign. Review status: no assertion criteria provided. Collection method: clinical testing. Allele origin: germline. Affected: yes. Study: VKGL Data-share Consensus. Not counted in ClinVar's aggregate classification.

Literature cited by the submitters: PubMed 24943832 (cited by Women's Health and Genetics/Laboratory Corporation of America, LabCorp); PubMed 16614245 (cited by Women's Health and Genetics/Laboratory Corporation of America, LabCorp); PubMed 21670202 (cited by Women's Health and Genetics/Laboratory Corporation of America, LabCorp); PubMed 22210878 (cited by Women's Health and Genetics/Laboratory Corporation of America, LabCorp); PubMed 19635999 (cited by Women's Health and Genetics/Laboratory Corporation of America, LabCorp); PubMed 26837699 (cited by Women's Health and Genetics/Laboratory Corporation of America, LabCorp); PubMed 23086750 (cited by Women's Health and Genetics/Laboratory Corporation of America, LabCorp); PubMed 19245433 (cited by Women's Health and Genetics/Laboratory Corporation of America, LabCorp); PubMed 22077063 (cited by Women's Health and Genetics/Laboratory Corporation of America, LabCorp); PubMed 15472075 (cited by Women's Health and Genetics/Laboratory Corporation of America, LabCorp); PubMed 23734977 (cited by Women's Health and Genetics/Laboratory Corporation of America, LabCorp); PubMed 22858860 (cited by Women's Health and Genetics/Laboratory Corporation of America, LabCorp).

NM_017617.5(NOTCH1):c.3315G>T (p.Ala1105=)

Gene: NOTCH1 (notch receptor 1; minus strand). Cytogenetic location: 9q34.3.
Variant type: single nucleotide variant.
Coding change: c.3315G>T on transcript NM_017617.5 (MANE Select); coding-DNA position 3315, G replaced by T.
Protein change: p.Ala1105=; no amino-acid change (alanine 1105 retained).
Molecular consequence: synonymous variant.
Genome position (GRCh38, 1-based): chr9:136,508,242, C>A on the plus strand (G>T on the coding strand, the complement: NOTCH1 is on the minus strand). VCF-style: chr9-136508242-C-A. GRCh37 (hg19) VCF-style: chr9-139402694-C-A.
Other names: c.3315G>T, p.Ala1105= (LRG_1122t1).
Identifiers: ClinVar variation 221096 (VCV000221096.27), dbSNP rs3812602, ClinGen allele CA349460.